The following is an entry in ClinVar:

NM_001845.6(COL4A1):c.4652G>A (p.Cys1551Tyr)

Gene: COL4A1 (collagen type IV alpha 1 chain; minus strand). Cytogenetic location: 13q34.
Variant type: single nucleotide variant.
Coding change: c.4652G>A on transcript NM_001845.6 (MANE Select); coding-DNA position 4652, G replaced by A.
Protein change: p.Cys1551Tyr; replaces cysteine 1551 with tyrosine.
Molecular consequence: missense variant.
Genome position (GRCh38, 1-based): chr13:110,155,386, C>T on the plus strand (G>A on the coding strand, the complement: COL4A1 is on the minus strand). VCF-style: chr13-110155386-C-T. GRCh37 (hg19) VCF-style: chr13-110807733-C-T.
Other names: short protein forms C1551Y.
Identifiers: ClinVar variation 2581754 (VCV002581754.1), dbSNP rs1594530228, ClinGen allele CA388655839.

ClinVar aggregate classification (germline): Likely pathogenic (1 of 4 stars; one submission).

Submission:

GeneDx
Classification: Likely pathogenic. Last evaluated: 2023-09-08. Review status: criteria provided, single submitter. Criteria: GeneDx Variant Classification Process June 2021. Collection method: clinical testing. Allele origin: germline. Affected: yes.
Comment: Not observed at significant frequency in large population cohorts (gnomAD); In silico analysis supports that this missense variant has a deleterious effect on protein structure/function; This variant is associated with the following publications: (PMID: 30413629, 35699195)